The following is an entry in ClinVar:

NM_002693.3(POLG):c.3488T>C (p.Met1163Thr)

Gene: POLG (DNA polymerase gamma, catalytic subunit; minus strand). Cytogenetic location: 15q26.1.
Variant type: single nucleotide variant.
Coding change: c.3488T>C on transcript NM_002693.3 (MANE Select); coding-DNA position 3488, T replaced by C.
Protein change: p.Met1163Thr; replaces methionine 1163 with threonine.
Molecular consequence: missense variant.
Genome position (GRCh38, 1-based): chr15:89,317,531, A>G on the plus strand (T>C on the coding strand, the complement: POLG is on the minus strand). VCF-style: chr15-89317531-A-G. GRCh37 (hg19) VCF-style: chr15-89860762-A-G.
Other names: p.M1163T:ATG>ACG; c.3488T>C, p.Met1163Thr (NM_001126131.2); short protein forms M1163T.
Identifiers: ClinVar variation 206616 (VCV000206616.12), dbSNP rs113994100, ClinGen allele CA316871.

ClinVar aggregate classification (germline): Conflicting classifications of pathogenicity. Review status: criteria provided, conflicting classifications (1 of 4 stars). 2 submissions from 2 submitters: Likely pathogenic (1); Uncertain significance (1). Last evaluated 2025-05-01.

Allele frequency attached by ClinVar (database versions not stated): gnomAD 0.00001; TOPMed 0.00001.

Submissions (2):

CeGaT Center for Human Genetics Tuebingen
Classification: Uncertain significance. Last evaluated: 2025-05-01. Review status: criteria provided, single submitter. Criteria: CeGaT Center For Human Genetics Tuebingen Variant Classification Criteria Version 2. Collection method: clinical testing. Allele origin: germline. Affected: yes. Observed: 1 variant allele.
Comment: POLG: PM2, PM5:Supporting, PP3

GeneDx
Classification: Likely pathogenic. Last evaluated: 2012-09-28. Review status: criteria provided, single submitter. Criteria: GeneDx Variant Classification (06012015). Collection method: clinical testing. Allele origin: germline. Affected: yes.
Comment: p.Met1163Thr (ATG>ACG):c.3488 T>C in exon 22 of the POLG gene (NM_002693.2). The Met1163Thr missense change has not been published as a mutation, nor has it been reported as a benign polymorphism to our knowledge. The NHLBI ESP Exome Variant Project has not identified Met1163Thr in approximately 6,500 individuals of European or African American ethnicity, indicating that it is not a common benign variant in these populations. The amino acid substitution is non-conservative as a non-polar Methionine residue is replaced by a polar Threonine residue. It alters a conserved position in the protein and multiple in silico algorithms predict that Met1163Thr may be damaging to the structure/function of the protein. A different missense substitution at the same codon (Met1163Arg) was identified in a patient with progressive encephalopathy (Kolberg et al., 2006) and other missense mutations at neighboring codons in the polymerase domain of the protein (N1157S, S1176L) have been reported in association with POLG-related disorders. Therefore, based on the currently available information, Met1163Thr is a strong candidate for a disease-causing mutation, although the possibility that it is a benign variant cannot be excluded. The variant is found in INFANT-EPI panel(s).